The following is an entry in ClinVar:

ClinVar aggregate classification (germline): Uncertain significance. Review status: criteria provided, multiple submitters, no conflicts (2 of 4 stars). 4 submissions from 4 submitters: Uncertain significance (4). Last evaluated 2026-02-18.

Conditions:
Inborn genetic diseases. Identifiers: MedGen C0950123, MeSH D030342.

Allele frequency attached by ClinVar (database versions not stated): ExAC 0.00001; gnomAD 0.00006; TOPMed 0.00001.
gnomAD v4.1: 17 of 1,612,530 alleles (0.0011%); highest among the groups gnomAD compares: Admixed American, 0.025%; no homozygotes.

Submissions (4):

GeneDx
Classification: Uncertain significance. Last evaluated: 2026-02-18. Review status: criteria provided, single submitter. Criteria: GeneDx Variant Classification Process June 2021. Collection method: clinical testing. Allele origin: germline.
Comment: In silico analysis suggests that this missense variant does not alter protein structure/function; Has not been previously published as pathogenic or benign to our knowledge

Ambry Genetics
Classification: Uncertain significance for Inborn genetic diseases. Last evaluated: 2022-12-28. Review status: criteria provided, single submitter. Criteria: Ambry Variant Classification Scheme 2023. Collection method: clinical testing. Allele origin: germline.

Labcorp Genetics (formerly Invitae), Labcorp
Classification: Uncertain significance. Last evaluated: 2022-08-15. Review status: criteria provided, single submitter. Criteria: Invitae Variant Classification Sherloc (09022015). Collection method: clinical testing. Allele origin: germline.
Comment: This sequence change replaces arginine, which is basic and polar, with histidine, which is basic and polar, at codon 72 of the MYO15A protein (p.Arg72His). This variant is present in population databases (rs759523877, gnomAD 0.03%). This variant has not been reported in the literature in individuals affected with MYO15A-related conditions. ClinVar contains an entry for this variant (Variation ID: 517275). Advanced modeling of protein sequence and biophysical properties (such as structural, functional, and spatial information, amino acid conservation, physicochemical variation, residue mobility, and thermodynamic stability) performed at Invitae indicates that this missense variant is not expected to disrupt MYO15A protein function. In summary, the available evidence is currently insufficient to determine the role of this variant in disease. Therefore, it has been classified as a Variant of Uncertain Significance.

Laboratory for Molecular Medicine, Mass General Brigham Personalized Medicine
Classification: Uncertain significance. Last evaluated: 2017-03-16. Review status: criteria provided, single submitter. Criteria: LMM Criteria. Collection method: clinical testing. Allele origin: germline. Observed: 1 variant allele.
Comment: The p.Arg72His variant in MYO15A has not been previously reported in individuals with hearing loss, but has been identified in 11/34300 Latino chromosomes by th e Genome Aggregation Database (gnomAD; dbSNP r s759523877). Although this variant has been seen in the general population, its frequency is not high enough to rule out a pathogenic role. Computational predic tion tools do not provide strong support for or against an impact to the protein . In summary, the clinical significance of the p.Arg72His variant is uncertain.

NM_016239.4(MYO15A):c.215G>A (p.Arg72His)

Gene: MYO15A (myosin XVA; plus strand). Cytogenetic location: 17p11.2.
Variant type: single nucleotide variant.
Coding change: c.215G>A on transcript NM_016239.4 (MANE Select); coding-DNA position 215, G replaced by A.
Protein change: p.Arg72His; replaces arginine 72 with histidine.
Molecular consequence: missense variant.
Genome position (GRCh38, 1-based): chr17:18,119,015, G>A. VCF-style: chr17-18119015-G-A. GRCh37 (hg19) VCF-style: chr17-18022329-G-A.
Other names: short protein forms R72H.
Identifiers: ClinVar variation 517275 (VCV000517275.7), dbSNP rs759523877, ClinGen allele CA8422782.
Genomic context (GRCh38, chr17:18,119,015, plus strand): 5'-AGTTCCGCAGCGCCTCGGCCTTCTTCTGGGGCCTCCACACCGGCCCCCAGAAGACCAAGC[G>A]CAAGAGGAAGGCCCGCACCGTGCTCAAGTCCACGTCAAAGCTCATGACGCAGATGCGCAT-3'
Protein context (NP_057323.3, residues 62-82): GLHTGPQKTK[Arg72His]KRKARTVLKS